The following is an entry in ClinVar:

NM_016816.4(OAS1):c.287G>C (p.Gly96Ala)

Gene: OAS1 (2'-5'-oligoadenylate synthetase 1; plus strand). Cytogenetic location: 12q24.13.
Variant type: single nucleotide variant.
Coding change: c.287G>C on transcript NM_016816.4 (MANE Select); coding-DNA position 287, G replaced by C.
Protein change: p.Gly96Ala; replaces glycine 96 with alanine.
Molecular consequence: missense variant. On other transcripts: non-coding transcript variant (9), intron variant (4).
Genome position (GRCh38, 1-based): chr12:112,908,642, G>C. VCF-style: chr12-112908642-G-C. GRCh37 (hg19) VCF-style: chr12-113346447-G-C.
Other names: c.287G>C, p.Gly96Ala (NM_001032409.3, NM_001320151.2, NM_001406020.1 and 7 more transcripts); c.180+1423G>C (NM_001406030.1, NM_001406029.1, NM_001406027.1 and 1 more transcripts); short protein forms G96A.
Identifiers: ClinVar variation 2825794 (VCV002825794.3), dbSNP rs1248137897, ClinGen allele CA386800312.

ClinVar aggregate classification (germline): Uncertain significance (1 of 4 stars; one submission).

Submission:

Labcorp Genetics (formerly Invitae), Labcorp
Classification: Uncertain significance. Last evaluated: 2023-01-01. Review status: criteria provided, single submitter. Criteria: Invitae Variant Classification Sherloc (09022015). Collection method: clinical testing. Allele origin: germline.
Comment: In summary, the available evidence is currently insufficient to determine the role of this variant in disease. Therefore, it has been classified as a Variant of Uncertain Significance. Algorithms developed to predict the effect of missense changes on protein structure and function output the following: SIFT: "Not Available"; PolyPhen-2: "Benign"; Align-GVGD: "Not Available". The alanine amino acid residue is found in multiple mammalian species, which suggests that this missense change does not adversely affect protein function. This variant has not been reported in the literature in individuals affected with OAS1-related conditions. This variant is not present in population databases (gnomAD no frequency). This sequence change replaces glycine, which is neutral and non-polar, with alanine, which is neutral and non-polar, at codon 96 of the OAS1 protein (p.Gly96Ala).